The following is an entry in ClinVar:

ClinVar aggregate classification (germline): Uncertain significance (1 of 4 stars; one submission).

Submission:

GeneDx
Classification: Uncertain significance. Last evaluated: 2023-09-05. Review status: criteria provided, single submitter. Criteria: GeneDx Variant Classification Process June 2021. Collection method: clinical testing. Allele origin: germline. Affected: yes.
Comment: Has not been previously published as pathogenic or benign to our knowledge; Not observed in large population cohorts (gnomAD); In silico analysis supports that this missense variant has a deleterious effect on protein structure/function

NM_001127644.2(GABRA1):c.832T>C (p.Ser278Pro)

Gene: GABRA1 (gamma-aminobutyric acid type A receptor subunit alpha1; plus strand). Cytogenetic location: 5q34.
Variant type: single nucleotide variant.
Coding change: c.832T>C on transcript NM_001127644.2 (MANE Select); coding-DNA position 832, T replaced by C.
Protein change: p.Ser278Pro; replaces serine 278 with proline.
Molecular consequence: missense variant.
Genome position (GRCh38, 1-based): chr5:161,891,026, T>C. VCF-style: chr5-161891026-T-C. GRCh37 (hg19) VCF-style: chr5-161318032-T-C.
Other names: c.832T>C, p.Ser278Pro (NM_000806.5, NM_001127643.2, NM_001127645.2 and 1 more transcripts); short protein forms S278P.
Identifiers: ClinVar variation 2579525 (VCV002579525.1), dbSNP rs2532280600, ClinGen allele CA362180003.